The following is an entry in ClinVar:

ClinVar aggregate classification (germline): Uncertain significance. Review status: criteria provided, multiple submitters, no conflicts (2 of 4 stars). 3 submissions from 3 submitters: Uncertain significance (3). Last evaluated 2023-04-11.

Conditions:
Inborn genetic diseases. Identifiers: MedGen C0950123, MeSH D030342.
Developmental and epileptic encephalopathy, 23 (DEE23). Also called: Epileptic encephalopathy, early infantile, 23. Identifiers: Orphanet 411986, MedGen C4014492, MONDO:0014371, OMIM 615859.

Allele frequency attached by ClinVar (database versions not stated): gnomAD 0.00001; gnomAD exomes 0.00002; TOPMed 0.00002; ExAC 0.00003; ESP Exome Variant Server 0.00008.
gnomAD v4.1: 25 of 1,581,508 alleles (0.0016%); highest among the groups gnomAD compares: South Asian, 0.0034%; no homozygotes.

Submissions (3):

Genome-Nilou Lab
Classification: Uncertain significance for Developmental and epileptic encephalopathy, 23. Last evaluated: 2023-04-11. Review status: criteria provided, single submitter. Criteria: ACMG Guidelines, 2015. Collection method: clinical testing. Allele origin: germline. Affected: no.

Labcorp Genetics (formerly Invitae), Labcorp
Classification: Uncertain significance for Developmental and epileptic encephalopathy, 23. Last evaluated: 2022-08-13. Review status: criteria provided, single submitter. Criteria: Invitae Variant Classification Sherloc (09022015). Collection method: clinical testing. Allele origin: germline.
Comment: In summary, the available evidence is currently insufficient to determine the role of this variant in disease. Therefore, it has been classified as a Variant of Uncertain Significance. Variants that disrupt the consensus splice site are a relatively common cause of aberrant splicing (PMID: 17576681, 9536098). Algorithms developed to predict the effect of sequence changes on RNA splicing suggest that this variant is not likely to affect RNA splicing. ClinVar contains an entry for this variant (Variation ID: 835285). This variant has not been reported in the literature in individuals affected with DOCK7-related conditions. This variant is present in population databases (rs201404610, gnomAD 0.004%). This sequence change affects codon 600 of the DOCK7 mRNA. It is a 'silent' change, meaning that it does not change the encoded amino acid sequence of the DOCK7 protein. This variant also falls at the last nucleotide of exon 15, which is part of the consensus splice site for this exon.

Ambry Genetics
Classification: Uncertain significance for Inborn genetic diseases. Last evaluated: 2021-06-16. Review status: criteria provided, single submitter. Criteria: Ambry Variant Classification Scheme 2023. Collection method: clinical testing. Allele origin: germline.
Comment: Occurs in the last base pair of the exon Based on insufficient or conflicting evidence, the clinical significance of this alteration remains unclear.

Literature cited by the submitters: PubMed 17576681 (cited by Labcorp Genetics (formerly Invitae), Labcorp); PubMed 9536098 (cited by Labcorp Genetics (formerly Invitae), Labcorp).

NM_001367561.1(DOCK7):c.1800G>A (p.Pro600=)

Gene: DOCK7 (dedicator of cytokinesis 7; minus strand). Cytogenetic location: 1p31.3.
Variant type: single nucleotide variant.
Coding change: c.1800G>A on transcript NM_001367561.1 (MANE Select); coding-DNA position 1800, G replaced by A.
Protein change: p.Pro600=; no amino-acid change (proline 600 retained).
Molecular consequence: synonymous variant.
Genome position (GRCh38, 1-based): chr1:62,586,507, C>T on the plus strand (G>A on the coding strand, the complement: DOCK7 is on the minus strand). VCF-style: chr1-62586507-C-T. GRCh37 (hg19) VCF-style: chr1-63052178-C-T.
Other names: c.1800G>A, p.Pro600= (NM_001271999.2, NM_001272000.2, NM_001272001.2 and 3 more transcripts); c.1800G>A (NM_033407.2).
Identifiers: ClinVar variation 835285 (VCV000835285.8), dbSNP rs201404610, ClinGen allele CA886461.